The following is an entry in ClinVar:

ClinVar aggregate classification (germline): Uncertain significance. Review status: criteria provided, multiple submitters, no conflicts (2 of 4 stars). 6 submissions from 6 submitters: Uncertain significance (6). Last evaluated 2026-08-24.

Conditions:
LRP2-related disorder. Also called: LRP2-related condition.
Donnai-Barrow syndrome. Also called: DBS/FOAR SYNDROME; FACIOOCULOACOUSTICORENAL SYNDROME. Identifiers: Orphanet 2143, MedGen C1857277, MONDO:0009104, OMIM 222448.
Inborn genetic diseases. Identifiers: MedGen C0950123, MeSH D030342.

Allele frequency attached by ClinVar (database versions not stated): ExAC 0.00012; gnomAD exomes 0.00014 and 0.00029; TOPMed 0.00014; gnomAD 0.00022 and 0.00024; ESP Exome Variant Server 0.00023.
gnomAD v4.1: 443 of 1,614,070 alleles (0.027%); highest among the groups gnomAD compares: Non-Finnish European, 0.035%; no homozygotes.

Submissions (6):

PreventionGenetics, part of Exact Sciences
Classification: Uncertain significance for LRP2-related condition. Last evaluated: 2026-08-24. Review status: criteria provided, single submitter. Criteria: ACMG Guidelines, 2015. Collection method: clinical testing. Allele origin: germline.
Comment: The LRP2 c.10910C>T variant is predicted to result in the amino acid substitution p.Pro3637Leu. To our knowledge, this variant has not been reported in the literature. This variant is reported in 0.030% of alleles in individuals of European (Non-Finnish) descent in gnomAD. At this time, the clinical significance of this variant is uncertain due to the absence of conclusive functional and genetic evidence.

Labcorp Genetics (formerly Invitae), Labcorp
Classification: Uncertain significance. Last evaluated: 2024-10-26. Review status: criteria provided, single submitter. Criteria: Invitae Variant Classification Sherloc (09022015). Collection method: clinical testing. Allele origin: germline.
Comment: This sequence change replaces proline, which is neutral and non-polar, with leucine, which is neutral and non-polar, at codon 3637 of the LRP2 protein (p.Pro3637Leu). This variant is present in population databases (rs150306330, gnomAD 0.03%). This variant has not been reported in the literature in individuals affected with LRP2-related conditions. ClinVar contains an entry for this variant (Variation ID: 1308010). Invitae Evidence Modeling of protein sequence and biophysical properties (such as structural, functional, and spatial information, amino acid conservation, physicochemical variation, residue mobility, and thermodynamic stability) indicates that this missense variant is expected to disrupt LRP2 protein function with a positive predictive value of 95%. In summary, the available evidence is currently insufficient to determine the role of this variant in disease. Therefore, it has been classified as a Variant of Uncertain Significance.

Blueprint Genetics
Classification: Uncertain significance. Last evaluated: 2024-08-30. Review status: criteria provided, single submitter. Criteria: ACMG Guidelines, 2015. Collection method: clinical testing. Allele origin: germline.

Fulgent Genetics
Classification: Uncertain significance for Donnai-Barrow syndrome. Last evaluated: 2024-06-25. Review status: criteria provided, single submitter. Criteria: ACMG Guidelines, 2015. Collection method: clinical testing. Allele origin: germline.

GeneDx
Classification: Uncertain significance. Last evaluated: 2023-02-14. Review status: criteria provided, single submitter. Criteria: GeneDx Variant Classification Process June 2021. Collection method: clinical testing. Allele origin: germline. Affected: yes.
Comment: In silico analysis supports that this missense variant has a deleterious effect on protein structure/function; Has not been previously published as pathogenic or benign to our knowledge

Ambry Genetics
Classification: Uncertain significance for Inborn genetic diseases. Last evaluated: 2021-02-23. Review status: criteria provided, single submitter. Criteria: Ambry Variant Classification Scheme 2023. Collection method: clinical testing. Allele origin: germline.
Comment: The c.10910C>T (p.P3637L) alteration is located in exon 56 (coding exon 56) of the LRP2 gene. This alteration results from a C to T substitution at nucleotide position 10910, causing the proline (P) at amino acid position 3637 to be replaced by a leucine (L). The in silico prediction for the p.P3637L alteration is inconclusive. Based on insufficient or conflicting evidence, the clinical significance of this alteration remains unclear.

NM_004525.3(LRP2):c.10910C>T (p.Pro3637Leu)

Gene: LRP2 (LDL receptor related protein 2; minus strand). Cytogenetic location: 2q31.1.
Variant type: single nucleotide variant.
Coding change: c.10910C>T on transcript NM_004525.3 (MANE Select); coding-DNA position 10910, C replaced by T.
Protein change: p.Pro3637Leu; replaces proline 3637 with leucine.
Molecular consequence: missense variant.
Genome position (GRCh38, 1-based): chr2:169,174,023, G>A on the plus strand (C>T on the coding strand, the complement: LRP2 is on the minus strand). VCF-style: chr2-169174023-G-A. GRCh37 (hg19) VCF-style: chr2-170030533-G-A.
Other names: short protein forms P3637L.
Identifiers: ClinVar variation 1308010 (VCV001308010.10), dbSNP rs150306330, ClinGen allele CA1953219.